The following is an entry in ClinVar:

NM_001190.4(BCAT2):c.696-3C>G

Gene: BCAT2 (branched chain amino acid transaminase 2; minus strand). Cytogenetic location: 19q13.33.
Variant type: single nucleotide variant.
Coding change: c.696-3C>G on transcript NM_001190.4 (MANE Select); 3 bases into the intron before coding-DNA position 696, C replaced by G.
Molecular consequence: intron variant.
Genome position (GRCh38, 1-based): chr19:48,797,336, G>C on the plus strand (C>G on the coding strand, the complement: BCAT2 is on the minus strand). VCF-style: chr19-48797336-G-C. GRCh37 (hg19) VCF-style: chr19-49300593-G-C.
Other names: c.420-3C>G (NM_001164773.2); c.576-3C>G (NM_001284325.2).
Identifiers: ClinVar variation 4813248 (VCV004813248.1).

ClinVar aggregate classification (germline): Uncertain significance (1 of 4 stars; one submission).

Submission:

GeneDx
Classification: Uncertain significance. Last evaluated: 2025-09-01. Review status: criteria provided, single submitter. Criteria: GeneDx Variant Classification Process June 2021. Collection method: clinical testing. Allele origin: germline. Affected: yes.
Comment: Not observed at significant frequency in large population cohorts (gnomAD); In silico analysis supports a deleterious effect on splicing; Has not been previously published as pathogenic or benign to our knowledge